The following is an entry in ClinVar:

ClinVar aggregate classification (germline): Uncertain significance (1 of 4 stars; one submission).

gnomAD v4.1: 5 of 1,614,086 alleles (0.00031%); highest among the groups gnomAD compares: East Asian, 0.0022%; no homozygotes.

Submission:

GeneDx
Classification: Uncertain significance. Last evaluated: 2024-09-03. Review status: criteria provided, single submitter. Criteria: GeneDx Variant Classification Process June 2021. Collection method: clinical testing. Allele origin: germline. Affected: yes.
Comment: Not observed at significant frequency in large population cohorts (gnomAD); In silico analysis supports that this missense variant has a deleterious effect on protein structure/function; Has not been previously published as pathogenic or benign to our knowledge

NM_001457.4(FLNB):c.5350G>T (p.Val1784Phe)

Gene: FLNB (filamin B; plus strand). Cytogenetic location: 3p14.3.
Variant type: single nucleotide variant.
Coding change: c.5350G>T on transcript NM_001457.4 (MANE Select); coding-DNA position 5350, G replaced by T.
Protein change: p.Val1784Phe; replaces valine 1784 with phenylalanine.
Molecular consequence: missense variant.
Genome position (GRCh38, 1-based): chr3:58,143,538, G>T. VCF-style: chr3-58143538-G-T. GRCh37 (hg19) VCF-style: chr3-58129265-G-T.
Other names: c.5443G>T, p.Val1815Phe (NM_001164317.2); c.5317G>T, p.Val1773Phe (NM_001164318.2); c.5278G>T, p.Val1760Phe (NM_001164319.2); short protein forms V1760F, V1773F, V1784F, V1815F.
Identifiers: ClinVar variation 3765895 (VCV003765895.1).
Genomic context (GRCh38, chr3:58,143,538, plus strand): 5'-GTCCACATGCCTTCTGGGAAGACAGCCACACCTGAGATTGTGGACAACAAGGACGGCACG[G>T]TCACTGTTAGATATGCCCCCACTGAGGTCGGGCTCCATGAGATGCACATCAAATACATGG-3'
Protein context (NP_001448.2, residues 1774-1794): PEIVDNKDGT[Val1784Phe]TVRYAPTEVG